The following is an entry in ClinVar:

ClinVar aggregate classification (germline): Uncertain significance (1 of 4 stars; one submission).

Conditions:
Shprintzen-Goldberg syndrome (SGS). Also called: SHPRINTZEN-GOLDBERG CRANIOSYNOSTOSIS SYNDROME; CRANIOSYNOSTOSIS WITH ARACHNODACTYLY AND ABDOMINAL HERNIAS; Marfanoid disorder with craniosynostosis type 1; Marfanoid craniosynostosis syndrome; Shprintzen-Goldberg marfanoid syndrome. Identifiers: Orphanet 2462, MedGen C1321551, MONDO:0008426, OMIM 182212.

Submission:

Victorian Clinical Genetics Services, Murdoch Childrens Research Institute
Classification: Uncertain significance for Shprintzen-Goldberg syndrome. Last evaluated: 2023-07-17. Review status: criteria provided, single submitter. Criteria: ACMG Guidelines, 2015. Collection method: clinical testing. Allele origin: germline. Inheritance: Autosomal dominant inheritance. Affected: yes.
Comment: Based on the classification scheme VCGS_Germline_v1.3.4, this variant is classified as VUS-3B. Following criteria are met: 0105 - The mechanism of disease for this gene is not clearly established. Missense variants suspected to have a dominant negative mechanism have been reported in individuals with Shprintzen-Goldberg syndrome (MIM#182212) (PMID: 23023332). Heterozygous variants resulting in a premature termination codon have been identified in individuals with milder intellectual disability (unpublished evidence obtained by personal communication). (I) 0107 - This gene is associated with autosomal dominant disease. (I) 0200 - Variant is predicted to result in a missense amino acid change from leucine to phenylalanine. (I) 0251 - This variant is heterozygous. (I) 0301 - Variant is absent from gnomAD (both v2 and v3). (SP) 0502 - Missense variant with conflicting in silico predictions and uninformative conservation. (I) 0604 - Variant is not located in an established domain, motif, hotspot or informative constraint region. (I) 0705 - No comparable missense variants have previous evidence for pathogenicity. (I) 0807 - This variant has no previous evidence of pathogenicity. (I) 0905 - No published segregation evidence has been identified for this variant. (I) 1007 - No published functional evidence has been identified for this variant. (I) 1208 - Inheritance information for this variant is not currently available in this individual. (I) Legend: (SP) - Supporting pathogenic, (I) - Information, (SB) - Supporting benign

Literature cited by the submitters: PubMed 23023332.

NM_003036.4(SKI):c.1855C>T (p.Leu619Phe)

Gene: SKI (SKI proto-oncogene; plus strand). Cytogenetic location: 1p36.32.
Variant type: single nucleotide variant.
Coding change: c.1855C>T on transcript NM_003036.4 (MANE Select); coding-DNA position 1855, C replaced by T.
Protein change: p.Leu619Phe; replaces leucine 619 with phenylalanine.
Molecular consequence: missense variant.
Genome position (GRCh38, 1-based): chr1:2,306,107, C>T. VCF-style: chr1-2306107-C-T. GRCh37 (hg19) VCF-style: chr1-2237546-C-T.
Other names: short protein forms L619F.
Identifiers: ClinVar variation 3254611 (VCV003254611.1), dbSNP rs2521512250.